The following is an entry in ClinVar:

ClinVar aggregate classification (germline): Uncertain significance. Review status: criteria provided, multiple submitters, no conflicts (2 of 4 stars). 5 submissions from 4 submitters: Uncertain significance (5). Last evaluated 2025-03-10.

Conditions:
Inborn genetic diseases. Identifiers: MedGen C0950123, MeSH D030342.
Amyotrophic lateral sclerosis type 4 (ALS4). Also called: NEURONOPATHY, DISTAL HEREDITARY MOTOR, WITH PYRAMIDAL FEATURES; AMYOTROPHIC LATERAL SCLEROSIS 4, JUVENILE. Identifiers: Orphanet 357043, MedGen C1865409, MONDO:0011223, OMIM 602433.
Spinocerebellar ataxia, autosomal recessive, with axonal neuropathy 2 (SCAN2). Also called: Ataxia with Oculomotor Apraxia; ATAXIA-OCULOMOTOR APRAXIA 2; Ataxia with Oculomotor Apraxia Type 2; Ataxia-ocular apraxia-2. Identifiers: Orphanet 64753, MedGen C1853761, MONDO:0018996, OMIM 606002.

Allele frequency attached by ClinVar (database versions not stated): gnomAD 0.00001; gnomAD exomes 0.00001 and 0.00003; TOPMed 0.00003; ExAC 0.00006.

Submissions (5):

Labcorp Genetics (formerly Invitae), Labcorp
Classification: Uncertain significance for Amyotrophic lateral sclerosis type 4; Spinocerebellar ataxia, autosomal recessive, with axonal neuropathy 2. Last evaluated: 2025-03-10. Review status: criteria provided, single submitter. Criteria: Invitae Variant Classification Sherloc (09022015). Collection method: clinical testing. Allele origin: germline.
Comment: This variant, c.1989_1994del, results in the deletion of 2 amino acid(s) of the SETX protein (p.Ile664_Glu665del), but otherwise preserves the integrity of the reading frame. This variant is present in population databases (rs773195802, gnomAD 0.05%). This variant has been observed in individual(s) with amyotrophic lateral sclerosis (PMID: 32729724, 37952009). This variant is also known as c.1989_1994delTATAGA, p.663_665delTIEinsT. ClinVar contains an entry for this variant (Variation ID: 1063249). Experimental studies and prediction algorithms are not available or were not evaluated, and the functional significance of this variant is currently unknown. In summary, the available evidence is currently insufficient to determine the role of this variant in disease. Therefore, it has been classified as a Variant of Uncertain Significance.

Ambry Genetics
Classification: Uncertain significance for Inborn genetic diseases. Last evaluated: 2023-10-23. Review status: criteria provided, single submitter. Criteria: Ambry Variant Classification Scheme 2023. Collection method: clinical testing. Allele origin: germline.
Comment: Unlikely to be causative of SETX-related juvenile amyotrophic lateral sclerosis (AD) Based on insufficient or conflicting evidence, the clinical significance of this alteration remains unclear.

Genome-Nilou Lab
Classification: Uncertain significance for Spinocerebellar ataxia, autosomal recessive, with axonal neuropathy 2. Last evaluated: 2023-02-08. Review status: criteria provided, single submitter. Criteria: ACMG Guidelines, 2015. Collection method: clinical testing. Allele origin: germline.

Genome-Nilou Lab
Classification: Uncertain significance for Amyotrophic lateral sclerosis type 4. Last evaluated: 2023-02-08. Review status: criteria provided, single submitter. Criteria: ACMG Guidelines, 2015. Collection method: clinical testing. Allele origin: germline.

Fulgent Genetics
Classification: Uncertain significance for Amyotrophic lateral sclerosis type 4; Spinocerebellar ataxia, autosomal recessive, with axonal neuropathy 2. Last evaluated: 2021-10-12. Review status: criteria provided, single submitter. Criteria: ACMG Guidelines, 2015. Collection method: clinical testing. Allele origin: unknown.

Literature cited by the submitters: PubMed 32729724 (cited by Labcorp Genetics (formerly Invitae), Labcorp and Ambry Genetics); PubMed 37952009 (cited by Labcorp Genetics (formerly Invitae), Labcorp); PubMed 32166880 (cited by Ambry Genetics).

NM_015046.7(SETX):c.1989_1994del (p.Ile664_Glu665del)

Gene: SETX (senataxin; minus strand). Cytogenetic location: 9q34.13.
Variant type: Deletion.
Coding change: c.1989_1994del on transcript NM_015046.7 (MANE Select); coding-DNA positions 1989 to 1994, 6 bases deleted (TATAGA; older notation c.1989_1994delTATAGA).
Protein change: p.Ile664_Glu665del.
Molecular consequence: inframe deletion.
Genome position (GRCh38, 1-based): chr9:132,329,604-132,329,609, TCTATA deleted on the plus strand (TATAGA on the coding strand, the reverse complement: SETX is on the minus strand). VCF-style (leftmost placement, unchanged base first): chr9-132329603-TTCTATA-T. GRCh37 (hg19) VCF-style: chr9-135204990-TTCTATA-T.
Other names: c.1989_1994delTATAGA (NM_015046.5); c.1989_1994del, p.Ile664_Glu665del (NM_001351527.2, NM_001351528.2).
Identifiers: ClinVar variation 1063249 (VCV001063249.11), dbSNP rs773195802, ClinGen allele CA5297684.
Genomic context (GRCh38, chr9:132,329,603, plus strand): 5'-AGCTAAGAGATGGTCCTCTAGTTTCACATCCTTTATATAATTTTGCTCATTATTGTCACC[TTCTATA>T]GTGTTATCTGCTTTGATCAATACACTGTCTTGCACTTTCATTGGTTCTTTAGAAAATGTT-3'